The following is an entry in ClinVar:

NM_002691.4(POLD1):c.202G>T (p.Gly68Trp)

Gene: POLD1 (DNA polymerase delta 1, catalytic subunit; plus strand). Cytogenetic location: 19q13.33.
Variant type: single nucleotide variant.
Coding change: c.202G>T on transcript NM_002691.4 (MANE Select); coding-DNA position 202, G replaced by T.
Protein change: p.Gly68Trp; replaces glycine 68 with tryptophan.
Molecular consequence: missense variant. On other transcripts: non-coding transcript variant (1).
Genome position (GRCh38, 1-based): chr19:50,399,053, G>T. VCF-style: chr19-50399053-G-T. GRCh37 (hg19) VCF-style: chr19-50902310-G-T.
Other names: c.202G>T, p.Gly68Trp (NM_001256849.1, NM_001308632.1); c.202G>T (NM_002691.2); short protein forms G68W.
Identifiers: ClinVar variation 841066 (VCV000841066.8), dbSNP rs772866918, ClinGen allele CA406970366.

ClinVar aggregate classification (germline): Uncertain significance. Review status: criteria provided, multiple submitters, no conflicts (2 of 4 stars). 2 submissions from 2 submitters: Uncertain significance (2). Last evaluated 2025-09-11.

Conditions:
Hereditary cancer-predisposing syndrome. Also called: Tumor predisposition; Hereditary Cancer Syndrome; Hereditary neoplastic syndrome; Neoplastic Syndromes, Hereditary. Identifiers: Orphanet 140162, MedGen C0027672, MeSH D009386, MONDO:0015356.
POLD1-related polyposis and colorectal cancer syndrome (CRCS10). Also called: Colorectal cancer 10; COLORECTAL CANCER, SUSCEPTIBILITY TO, ON CHROMOSOME 19q; Colorectal cancer, susceptibility to, 10. Identifiers: Orphanet 220460, MedGen C2675481, MONDO:0012953, OMIM 612591.

Submissions (2):

Ambry Genetics
Classification: Uncertain significance for Hereditary cancer-predisposing syndrome. Last evaluated: 2025-09-11. Review status: criteria provided, single submitter. Criteria: Ambry Variant Classification Scheme 2023. Collection method: clinical testing. Allele origin: germline.
Comment: The p.G68W variant (also known as c.202G>T), located in coding exon 1 of the POLD1 gene, results from a G to T substitution at nucleotide position 202. The glycine at codon 68 is replaced by tryptophan, an amino acid with highly dissimilar properties. However, this change occurs in the last base pair of coding exon 1, which makes it likely to have some effect on normal mRNA splicing. This nucleotide position is highly conserved in available vertebrate species. This amino acid position is highly conserved in available vertebrate species. In silico splice site analysis predicts that this alteration will weaken the native splice donor site. In addition, as a missense substitution this is predicted to be tolerated by in silico analysis. However, loss of function has not been established as a mechanism of disease. Based on the available evidence, the clinical significance of this alteration remains unclear.

Labcorp Genetics (formerly Invitae), Labcorp
Classification: Uncertain significance for POLD1-related polyposis and colorectal cancer syndrome. Last evaluated: 2025-09-10. Review status: criteria provided, single submitter. Criteria: Invitae Variant Classification Sherloc (09022015). Collection method: clinical testing. Allele origin: germline.
Comment: This sequence change replaces glycine, which is neutral and non-polar, with tryptophan, which is neutral and slightly polar, at codon 68 of the POLD1 protein (p.Gly68Trp). This variant also falls at the last nucleotide of exon 2, which is part of the consensus splice site for this exon. This variant is not present in population databases (gnomAD no frequency). This variant has not been reported in the literature in individuals affected with POLD1-related conditions. ClinVar contains an entry for this variant (Variation ID: 841066). An algorithm developed to predict the effect of missense changes on protein structure and function (PolyPhen-2) suggests that this variant is likely to be tolerated. Variants that disrupt the consensus splice site are a relatively common cause of aberrant splicing (PMID: 17576681, 9536098). Studies have shown that this missense change is associated with inconclusive levels of altered splicing (internal data). In summary, the available evidence is currently insufficient to determine the role of this variant in disease. Therefore, it has been classified as a Variant of Uncertain Significance.

Literature cited by the submitters: PubMed 17576681 (cited by Labcorp Genetics (formerly Invitae), Labcorp); PubMed 9536098 (cited by Labcorp Genetics (formerly Invitae), Labcorp).